The following is an entry in ClinVar:

ClinVar aggregate classification (germline): Likely pathogenic. Review status: criteria provided, multiple submitters, no conflicts (2 of 4 stars). 2 submissions from 2 submitters: Likely pathogenic (2). Last evaluated 2024-07-30.

Conditions:
Fanconi-Bickel syndrome (FBS). Also called: Glycogen storage disease due to GLUT2 deficiency; PSEUDO-PHLORIZIN DIABETES; FANCONI SYNDROME WITH INTESTINAL MALABSORPTION AND GALACTOSE INTOLERANCE; HEPATIC GLYCOGENOSIS WITH AMINO ACIDURIA AND GLUCOSURIA; HEPATIC GLYCOGENOSIS WITH FANCONI NEPHROPATHY; HEPATORENAL GLYCOGENOSIS WITH RENAL FANCONI SYNDROME. Identifiers: Orphanet 2088, MedGen C3495427, MONDO:0009216, OMIM 227810.

gnomAD v4.1: 3 of 1,611,490 alleles (0.00019%); highest among the groups gnomAD compares: Non-Finnish European, 0.00025%; no homozygotes.

Submissions (2):

3billion
Classification: Likely pathogenic for Fanconi-Bickel syndrome. Last evaluated: 2024-07-30. Review status: criteria provided, single submitter. Criteria: ACMG Guidelines, 2015. Collection method: clinical testing. Allele origin: germline. Affected: yes.
Comment: The variant is observed at an extremely low frequency in the gnomAD v4.0.0 dataset (total allele frequency: <0.001%). The majority of the known disease-causing variants of this gene are variants expected to result in premature termination of the protein. In silico tool predictions suggest damaging effect of the variant on gene or gene product [REVEL: 0.66 (>=0.6)]. The same nucleotide change resulting in the same amino acid change has been previously reported to be associated with SLC2A2-related disorder (PMID: 36692815), and a different missense change at the same codon (p.Val197Ile) has been reported to be associated with SLC2A2-related disorder (PMID: 8063045). The variant has been observed in at least two similarly affected unrelated individuals (3billion dataset). The variant has been reported to be in trans with a pathogenic variant as either compound heterozygous or homozygous in at least one similarly affected unrelated individual (3billion dataset). Therefore, this variant is classified as likely pathogenic according to the recommendation of ACMG/AMP guideline.

Kasturba Medical College, Manipal, Kasturba Medical College, Manipal, Manipal Academy of Higher Education, Manipal, India
Classification: Likely pathogenic for Fanconi-Bickel syndrome. Last evaluated: 2022-01-13. Review status: criteria provided, single submitter. Criteria: ACMG Guidelines, 2015. Collection method: clinical testing. Allele origin: germline. Inheritance: Autosomal recessive inheritance. Affected: yes. Observed: 1 homozygote.

Literature cited by the submitters: PubMed 9354798 (cited by Kasturba Medical College, Manipal, Kasturba Medical College, Manipal, Manipal Academy of Higher Education, Manipal, India).

NM_000340.2(SLC2A2):c.589G>C (p.Val197Leu)

Gene: SLC2A2 (solute carrier family 2 member 2; minus strand). Cytogenetic location: 3q26.2.
Variant type: single nucleotide variant.
Coding change: c.589G>C on transcript NM_000340.2 (MANE Select); coding-DNA position 589, G replaced by C.
Protein change: p.Val197Leu; replaces valine 197 with leucine.
Molecular consequence: missense variant.
Genome position (GRCh38, 1-based): chr3:171,007,171, C>G on the plus strand (G>C on the coding strand, the complement: SLC2A2 is on the minus strand). VCF-style: chr3-171007171-C-G. GRCh37 (hg19) VCF-style: chr3-170724960-C-G.
Other names: c.232G>C, p.Val78Leu (NM_001278658.2); c.70G>C, p.Val24Leu (NM_001278659.2); short protein forms V197L, V24L, V78L.
Identifiers: ClinVar variation 1334152 (VCV001334152.6), dbSNP rs121909741, ClinGen allele CA355490404.
Genomic context (GRCh38, chr3:171,007,171, plus strand): 5'-ATGGGTGCAGTAGGGGATAAGGATGGGGAGTTTTTACCTGACTAATAAGAATGCCCGTGA[C>G]GATGGCCAGCTGATGAAAAGTGCCAAGTGCTCCCCTGAGAGCGGTTGGAGCAATTTCACC-3'
Protein context (NP_000331.1, residues 187-207): ALGTFHQLAI[Val197Leu]TGILISQIIG